The following is an entry in ClinVar:

NM_001267550.2(TTN):c.92152+11G>A

Genes: TTN (titin; minus strand), TTN-AS1 (TTN antisense RNA 1; plus strand). Cytogenetic location: 2q31.2.
Variant type: single nucleotide variant.
Coding change: c.92152+11G>A on transcript NM_001267550.2 (MANE Select); 11 bases into the intron after coding-DNA position 92152, G replaced by A.
Molecular consequence: intron variant.
Genome position (GRCh38, 1-based): chr2:178,549,559, C>T on the plus strand (G>A on the coding strand, the complement: TTN is on the minus strand). VCF-style: chr2-178549559-C-T. GRCh37 (hg19) VCF-style: chr2-179414286-C-T.
Other names: c.64957+11G>A (NM_003319.4); c.65533+11G>A (NM_133437.4); c.65332+11G>A (NM_133432.3); c.84448+11G>A (NM_133378.4); c.87229+11G>A (NM_001256850.1).
Identifiers: ClinVar variation 380139 (VCV000380139.10), dbSNP rs372798472, ClinGen allele CA1987486.

ClinVar aggregate classification (germline): Benign/Likely benign. Review status: criteria provided, multiple submitters, no conflicts (2 of 4 stars). 3 submissions from 3 submitters: Benign (1); Likely benign (2). Last evaluated 2026-01-13.

Conditions:
Autosomal recessive limb-girdle muscular dystrophy type 2J (LGMDR10). Also called: MUSCULAR DYSTROPHY, LIMB-GIRDLE, AUTOSOMAL RECESSIVE 10; Limb-girdle muscular dystrophy, type 2J. Identifiers: Orphanet 140922, MedGen C1837342, MONDO:0012127, OMIM 608807.
Dilated cardiomyopathy 1G (CMD1G). Identifiers: Orphanet 154, MedGen C1858763, MONDO:0011400, OMIM 604145.

Allele frequency attached by ClinVar (database versions not stated): ExAC 0.00005; gnomAD 0.00005 and 0.00006; gnomAD exomes 0.00005; ESP Exome Variant Server 0.00008; TOPMed 0.00008.
gnomAD v4.1: 77 of 1,605,892 alleles (0.0048%); highest among the groups gnomAD compares: Admixed American, 0.012%; no homozygotes.

Submissions (3):

Labcorp Genetics (formerly Invitae), Labcorp
Classification: Likely benign for Dilated cardiomyopathy 1G; Autosomal recessive limb-girdle muscular dystrophy type 2J. Last evaluated: 2026-01-13. Review status: criteria provided, single submitter. Criteria: Invitae Variant Classification Sherloc (09022015). Collection method: clinical testing. Allele origin: germline.

Blueprint Genetics
Classification: Likely benign. Last evaluated: 2024-04-26. Review status: criteria provided, single submitter. Criteria: ACMG Guidelines, 2015. Collection method: clinical testing. Allele origin: germline.

GeneDx
Classification: Benign. Last evaluated: 2015-08-24. Review status: criteria provided, single submitter. Criteria: GeneDx Variant Classification (06012015). Collection method: clinical testing. Allele origin: germline. Affected: yes.
Comment: This variant is considered likely benign or benign based on one or more of the following criteria: it is a conservative change, it occurs at a poorly conserved position in the protein, it is predicted to be benign by multiple in silico algorithms, and/or has population frequency not consistent with disease.